The following is an entry in ClinVar:

ClinVar aggregate classification (germline): Uncertain significance. Review status: criteria provided, multiple submitters, no conflicts (2 of 4 stars). 3 submissions from 3 submitters: Uncertain significance (3). Last evaluated 2026-06-27.

Conditions:
Cardiovascular phenotype. Identifiers: MedGen CN230736.
Hereditary cancer-predisposing syndrome. Also called: Hereditary Cancer Syndrome; Tumor predisposition; Neoplastic Syndromes, Hereditary; Hereditary neoplastic syndrome. Identifiers: Orphanet 140162, MedGen C0027672, MeSH D009386, MONDO:0015356.
Neurofibromatosis, type 1 (NF1). Also called: NEUROFIBROMATOSIS, TYPE I, SOMATIC; Peripheral type neurofibromatosis; VON RECKLINGHAUSEN DISEASE; Neurofibromatosis, type I. Identifiers: Orphanet 636, MedGen C0027831, MONDO:0018975, OMIM 162200. Disease mechanism: loss of function.

Submissions (3):

Ambry Genetics
Classification: Uncertain significance for Cardiovascular phenotype; Hereditary cancer-predisposing syndrome. Last evaluated: 2026-06-27. Review status: criteria provided, single submitter. Criteria: Ambry Variant Classification Scheme 2023. Collection method: clinical testing. Allele origin: germline.
Comment: The p.Q1272K variant (also known as c.3814C>A), located in coding exon 28 of the NF1 gene, results from a C to A substitution at nucleotide position 3814. The glutamine at codon 1272 is replaced by lysine, an amino acid with similar properties. This amino acid position is conserved. In addition, this alteration is predicted to be deleterious by in silico analysis. Based on the available evidence, the clinical significance of this variant remains unclear.

Labcorp Genetics (formerly Invitae), Labcorp
Classification: Uncertain significance for Neurofibromatosis, type 1. Last evaluated: 2023-08-23. Review status: criteria provided, single submitter. Criteria: Invitae Variant Classification Sherloc (09022015). Collection method: clinical testing. Allele origin: germline.
Comment: In summary, the available evidence is currently insufficient to determine the role of this variant in disease. Therefore, it has been classified as a Variant of Uncertain Significance. Advanced modeling of protein sequence and biophysical properties (such as structural, functional, and spatial information, amino acid conservation, physicochemical variation, residue mobility, and thermodynamic stability) performed at Invitae indicates that this missense variant is expected to disrupt NF1 protein function. ClinVar contains an entry for this variant (Variation ID: 1490269). This variant has not been reported in the literature in individuals affected with NF1-related conditions. This sequence change replaces glutamine, which is neutral and polar, with lysine, which is basic and polar, at codon 1272 of the NF1 protein (p.Gln1272Lys). This variant is not present in population databases (gnomAD no frequency).

GeneDx
Classification: Uncertain significance. Last evaluated: 2023-01-31. Review status: criteria provided, single submitter. Criteria: GeneDx Variant Classification Process June 2021. Collection method: clinical testing. Allele origin: germline. Affected: yes.
Comment: Not observed at significant frequency in large population cohorts (gnomAD); In silico analysis supports that this missense variant has a deleterious effect on protein structure/function; Has not been previously published as pathogenic or benign to our knowledge; This variant is associated with the following publications: (PMID: 22807134, 25486365)

NM_001042492.3(NF1):c.3814C>A (p.Gln1272Lys)

Gene: NF1 (neurofibromin 1; plus strand). Cytogenetic location: 17q11.2.
Variant type: single nucleotide variant.
Coding change: c.3814C>A on transcript NM_001042492.3 (MANE Select); coding-DNA position 3814, C replaced by A.
Protein change: p.Gln1272Lys; replaces glutamine 1272 with lysine.
Molecular consequence: missense variant.
Genome position (GRCh38, 1-based): chr17:31,235,716, C>A. VCF-style: chr17-31235716-C-A. GRCh37 (hg19) VCF-style: chr17-29562734-C-A.
Other names: c.3814C>A, p.Gln1272Lys (NM_000267.4); short protein forms Q1272K.
Identifiers: ClinVar variation 1490269 (VCV001490269.7), dbSNP rs2067188361, ClinGen allele CA398992705.